The following is an entry in ClinVar:

ClinVar aggregate classification (germline): Uncertain significance (1 of 4 stars; one submission).

Allele frequency attached by ClinVar (database versions not stated): TOPMed below 0.00001; ExAC 0.00003.
gnomAD v4.1: 6 of 1,614,004 alleles (0.00037%); highest among the groups gnomAD compares: East Asian, 0.013%; no homozygotes.

Submission:

Labcorp Genetics (formerly Invitae), Labcorp
Classification: Uncertain significance. Last evaluated: 2022-10-06. Review status: criteria provided, single submitter. Criteria: Invitae Variant Classification Sherloc (09022015). Collection method: clinical testing. Allele origin: germline.
Comment: This sequence change replaces threonine, which is neutral and polar, with alanine, which is neutral and non-polar, at codon 46 of the SLC12A3 protein (p.Thr46Ala). This variant is present in population databases (rs746494505, gnomAD 0.03%). This variant has not been reported in the literature in individuals affected with SLC12A3-related conditions. Algorithms developed to predict the effect of missense changes on protein structure and function (SIFT, PolyPhen-2, Align-GVGD) all suggest that this variant is likely to be tolerated. In summary, the available evidence is currently insufficient to determine the role of this variant in disease. Therefore, it has been classified as a Variant of Uncertain Significance.

NM_001126108.2(SLC12A3):c.136A>G (p.Thr46Ala)

Gene: SLC12A3 (solute carrier family 12 member 3; plus strand). Cytogenetic location: 16q13.
Variant type: single nucleotide variant.
Coding change: c.136A>G on transcript NM_001126108.2 (MANE Select); coding-DNA position 136, A replaced by G.
Protein change: p.Thr46Ala; replaces threonine 46 with alanine.
Molecular consequence: missense variant.
Genome position (GRCh38, 1-based): chr16:56,865,371, A>G. VCF-style: chr16-56865371-A-G. GRCh37 (hg19) VCF-style: chr16-56899283-A-G.
Other names: c.136A>G, p.Thr46Ala (NM_000339.3, NM_001126107.2, NM_001410896.1); short protein forms T46A.
Identifiers: ClinVar variation 2155532 (VCV002155532.1), dbSNP rs746494505, ClinGen allele CA8068918.
Genomic context (GRCh38, chr16:56,865,371, plus strand): 5'-CTGAGCAGTGATGAGCCCTCTCCACCAGCTGCCTATGACAGCAGCCACCCCAGCCACCTG[A>G]CCCACAGCAGCACCTTCTGCATGCGCACCTTTGGCTACAACACGATCGATGTGGTGCCCA-3'
Protein context (NP_001119580.2, residues 36-56): AYDSSHPSHL[Thr46Ala]HSSTFCMRTF